The following is an entry in ClinVar:

ClinVar aggregate classification (germline): Pathogenic/Likely pathogenic. Review status: criteria provided, multiple submitters, no conflicts (2 of 4 stars). 2 submissions from 2 submitters: Pathogenic (1); Likely pathogenic (1). Last evaluated 2023-04-06.

Conditions:
Neurofibromatosis, type 1 (NF1). Also called: Peripheral type neurofibromatosis; VON RECKLINGHAUSEN DISEASE; NEUROFIBROMATOSIS, TYPE I, SOMATIC; Neurofibromatosis, type I. Identifiers: Orphanet 636, MedGen C0027831, MONDO:0018975, OMIM 162200. Disease mechanism: loss of function.

Submissions (2):

ARUP Laboratories, Molecular Genetics and Genomics, ARUP Laboratories
Classification: Likely pathogenic. Last evaluated: 2023-04-06. Review status: criteria provided, single submitter. Criteria: ARUP Molecular Germline Variant Investigation Process 2024. Collection method: clinical testing. Allele origin: germline.
Comment: The NF1 variant c.1442del; p.Pro481LeufsTer17, is reported in the literature in one individual affected with neurofibromatosis type I (Brekelmans 2019). This variant is also reported in ClinVar (Variation ID: 2419119). This variant is absent from the Genome Aggregation Database, indicating it is not a common polymorphism. This variant causes a frameshift by deleting a single nucleotide, so it is predicted to result in a truncated protein or mRNA subject to nonsense-mediated decay. Based on available information, this variant is considered to be likely pathogenic. References: Brekelmans C et al. Neurofibromatosis type 1-related pseudarthrosis: Beyond the pseudarthrosis site. Hum Mutat. 2019 Oct;40(10):1760-1767. PMID: 31066482.

Labcorp Genetics (formerly Invitae), Labcorp
Classification: Pathogenic for Neurofibromatosis, type 1. Last evaluated: 2022-04-11. Review status: criteria provided, single submitter. Criteria: Invitae Variant Classification Sherloc (09022015). Collection method: clinical testing. Allele origin: germline.
Comment: This premature translational stop signal has been observed in individual(s) with clinical features of NF1-related conditions (PMID: 31066482). For these reasons, this variant has been classified as Pathogenic. This variant is not present in population databases (gnomAD no frequency). This sequence change creates a premature translational stop signal (p.Pro481Leufs*17) in the NF1 gene. It is expected to result in an absent or disrupted protein product. Loss-of-function variants in NF1 are known to be pathogenic (PMID: 10712197, 23913538).

Literature cited by the submitters: PubMed 31066482 (cited by Labcorp Genetics (formerly Invitae), Labcorp); PubMed 10712197 (cited by Labcorp Genetics (formerly Invitae), Labcorp); PubMed 23913538 (cited by Labcorp Genetics (formerly Invitae), Labcorp).

NM_001042492.3(NF1):c.1442del (p.Pro481fs)

Gene: NF1 (neurofibromin 1; plus strand). Cytogenetic location: 17q11.2.
Variant type: Deletion.
Coding change: c.1442del on transcript NM_001042492.3 (MANE Select); coding-DNA position 1442, one base deleted (C; older notation c.1442delC).
Protein change: p.Pro481fs; shifts the reading frame from proline 481.
Molecular consequence: frameshift variant.
Genome position (GRCh38, 1-based): chr17:31,214,500, C deleted; the last of 2 consecutive C bases (chr17:31,214,499-31,214,500); deleting either gives the same sequence. VCF-style (leftmost placement, unchanged base first): chr17-31214498-AC-A. GRCh37 (hg19) VCF-style: chr17-29541516-AC-A.
Other names: c.1442delC, p.Pro481Leufs (NM_000267.4); c.1442del, p.Pro481fs (NM_001128147.3); short protein forms P481fs.
Identifiers: ClinVar variation 2419119 (VCV002419119.5), dbSNP rs2544829350, ClinGen allele CA2580092796.
Genomic context (GRCh38, chr17:31,214,498, plus strand): 5'-GTTTTGTTTTTAGAGTCTTACATTTAAAGAAAAAGTAACAAGCCTTAAATTTAAAGAAAA[AC>A]CTACAGACCTGGAGACAAGAAGCTATAAGTATCTTCTCTTGTCCATGGTGAAACTAATTC-3'